The following is an entry in ClinVar:

ClinVar aggregate classification (germline): Uncertain significance (1 of 4 stars; one submission).

Conditions:
Combined immunodeficiency due to DOCK8 deficiency (HIES2). Also called: HIES autosomal recessive; HYPER-IgE RECURRENT INFECTION SYNDROME 2, AUTOSOMAL RECESSIVE; Hyper-IgE recurrent infection syndrome, autosomal recessive; HYPER-IgE SYNDROME 2, AUTOSOMAL RECESSIVE, WITH RECURRENT INFECTIONS; DOCK8 Deficiency. Identifiers: Orphanet 217390, MedGen C4722305, MONDO:0009478, OMIM 243700.

Submission:

Labcorp Genetics (formerly Invitae), Labcorp
Classification: Uncertain significance for Hyper-Immunoglobulin E Syndrome, Autosomal Recessive. Last evaluated: 2019-10-12. Review status: criteria provided, single submitter. Criteria: Invitae Variant Classification Sherloc (09022015). Collection method: clinical testing. Allele origin: germline.
Comment: This variant is a gross duplication of the genomic region encompassing exons 1-4 of the DOCK8 gene. The 5' end of this event is unknown as it extends beyond the assayed region for this gene and therefore may encompass additional genes. The 3' boundary is likely confined to intron 4 of the DOCK8 gene. The exact location of this variant in the genome is unknown. This variant has not been reported in the literature in individuals with DOCK8-related disease. Experimental studies and prediction algorithms are not available for this variant, and the functional significance of the duplicated amino acids is currently unknown. In summary, the available evidence is currently insufficient to determine the role of this variant in disease. Therefore, it has been classified as a Variant of Uncertain Significance.

NC_000009.11:g.(?_214957)_(289601_?)dup

Genes: DOCK8-AS1 (DOCK8 antisense RNA 1; minus strand), DOCK8 (dedicator of cytokinesis 8; plus strand), LOC130001438 (ATAC-STARR-seq lymphoblastoid silent region 19723; plus strand), LOC126860552 (BRD4-independent group 4 enhancer GRCh37_chr9:285795-286994; plus strand), LOC130001439 (ATAC-STARR-seq lymphoblastoid active region 28115; plus strand) and 2 more. Cytogenetic location: 9p24.3.
Variant type: Duplication.
Identifiers: ClinVar variation 536618 (VCV000536618.3).